The following is an entry in ClinVar:

NM_138420.4(AHNAK2):c.3099T>C (p.Ser1033=)

Gene: AHNAK2 (AHNAK nucleoprotein 2; minus strand). Cytogenetic location: 14q32.33.
Variant type: single nucleotide variant.
Coding change: c.3099T>C on transcript NM_138420.4 (MANE Select); coding-DNA position 3099, T replaced by C.
Protein change: p.Ser1033=; no amino-acid change (serine 1033 retained).
Molecular consequence: synonymous variant.
Genome position (GRCh38, 1-based): chr14:104,952,352, A>G on the plus strand (T>C on the coding strand, the complement: AHNAK2 is on the minus strand). VCF-style: chr14-104952352-A-G. GRCh37 (hg19) VCF-style: chr14-105418689-A-G.
Other names: c.2799T>C, p.Ser933= (NM_001350929.2).
Identifiers: ClinVar variation 2644863 (VCV002644863.24), dbSNP rs199923544, ClinGen allele CA7383226.

ClinVar aggregate classification (germline): Likely benign (1 of 4 stars; one submission).

Allele frequency attached by ClinVar (database versions not stated): gnomAD exomes 0.00027; ESP Exome Variant Server 0.00049; ExAC 0.00077; 1000 Genomes Project 30x 0.00141; 1000 Genomes Project 0.00160.

Submission:

CeGaT Center for Human Genetics Tuebingen
Classification: Likely benign. Last evaluated: 2026-04-01. Review status: criteria provided, single submitter. Criteria: CeGaT Center For Human Genetics Tuebingen Variant Classification Criteria Version 2. Collection method: clinical testing. Allele origin: germline. Affected: yes. Observed: 6 variant alleles.
Comment: AHNAK2: BP4, BP7